The following is an entry in ClinVar:

NM_003128.3(SPTBN1):c.1464C>T (p.Leu488=)

Gene: SPTBN1 (spectrin beta, non-erythrocytic 1; plus strand). Cytogenetic location: 2p16.2.
Variant type: single nucleotide variant.
Coding change: c.1464C>T on transcript NM_003128.3 (MANE Select); coding-DNA position 1464, C replaced by T.
Protein change: p.Leu488=; no amino-acid change (leucine 488 retained).
Molecular consequence: synonymous variant.
Genome position (GRCh38, 1-based): chr2:54,626,054, C>T. VCF-style: chr2-54626054-C-T. GRCh37 (hg19) VCF-style: chr2-54853191-C-T.
Other names: c.1425C>T, p.Leu475= (NM_178313.3).
Identifiers: ClinVar variation 3357797 (VCV003357797.1).

ClinVar aggregate classification (germline): Likely benign (0 of 4 stars; one submission).

Conditions:
SPTBN1-related disorder. Also called: SPTBN1-related condition.

gnomAD v4.1: 253 of 1,614,010 alleles (0.016%); highest among the groups gnomAD compares: South Asian, 0.08%; no homozygotes.

Submission:

PreventionGenetics, part of Exact Sciences
Classification: Likely benign for SPTBN1-related condition. Last evaluated: 2024-07-22. Review status: no assertion criteria provided. Collection method: clinical testing. Allele origin: germline.
Comment: This variant is classified as likely benign based on ACMG/AMP sequence variant interpretation guidelines (Richards et al. 2015 PMID: 25741868, with internal and published modifications).